The following is an entry in ClinVar:

ClinVar aggregate classification (germline): Uncertain significance. Review status: criteria provided, multiple submitters, no conflicts (2 of 4 stars). 2 submissions from 2 submitters: Uncertain significance (2). Last evaluated 2025-04-23.

Conditions:
DICER1-related tumor predisposition. Also called: DICER1-related pleuropulmonary blastoma cancer predisposition syndrome; DICER1 syndrome. Identifiers: Orphanet 284343, MedGen C3839822, MONDO:0100216.
Hereditary cancer-predisposing syndrome. Also called: Neoplastic Syndromes, Hereditary; Hereditary Cancer Syndrome; Hereditary neoplastic syndrome; Tumor predisposition. Identifiers: Orphanet 140162, MedGen C0027672, MeSH D009386, MONDO:0015356.

Submissions (2):

Labcorp Genetics (formerly Invitae), Labcorp
Classification: Uncertain significance for DICER1-related tumor predisposition. Last evaluated: 2025-04-23. Review status: criteria provided, single submitter. Criteria: Invitae Variant Classification Sherloc (09022015). Collection method: clinical testing. Allele origin: germline.
Comment: This sequence change replaces serine, which is neutral and polar, with asparagine, which is neutral and polar, at codon 1239 of the DICER1 protein (p.Ser1239Asn). This variant is not present in population databases (gnomAD no frequency). This variant has not been reported in the literature in individuals affected with DICER1-related conditions. ClinVar contains an entry for this variant (Variation ID: 824115). Invitae Evidence Modeling of protein sequence and biophysical properties (such as structural, functional, and spatial information, amino acid conservation, physicochemical variation, residue mobility, and thermodynamic stability) indicates that this missense variant is not expected to disrupt DICER1 protein function with a negative predictive value of 95%. In summary, the available evidence is currently insufficient to determine the role of this variant in disease. Therefore, it has been classified as a Variant of Uncertain Significance.

Ambry Genetics
Classification: Uncertain significance for Hereditary cancer-predisposing syndrome. Last evaluated: 2024-09-18. Review status: criteria provided, single submitter. Criteria: Ambry Variant Classification Scheme 2023. Collection method: clinical testing. Allele origin: germline.
Comment: The p.S1239N variant (also known as c.3716G>A), located in coding exon 20 of the DICER1 gene, results from a G to A substitution at nucleotide position 3716. The serine at codon 1239 is replaced by asparagine, an amino acid with highly similar properties. This amino acid position is well conserved in available vertebrate species. In addition, this alteration is predicted to be tolerated by in silico analysis. Based on the available evidence, the clinical significance of this variant remains unclear.

NM_177438.3(DICER1):c.3716G>A (p.Ser1239Asn)

Gene: DICER1 (dicer 1, ribonuclease III; minus strand). Cytogenetic location: 14q32.13.
Variant type: single nucleotide variant.
Coding change: c.3716G>A on transcript NM_177438.3 (MANE Select); coding-DNA position 3716, G replaced by A.
Protein change: p.Ser1239Asn; replaces serine 1239 with asparagine.
Molecular consequence: missense variant.
Genome position (GRCh38, 1-based): chr14:95,103,680, C>T on the plus strand (G>A on the coding strand, the complement: DICER1 is on the minus strand). VCF-style: chr14-95103680-C-T. GRCh37 (hg19) VCF-style: chr14-95570017-C-T.
Other names: c.3716G>A, p.Ser1239Asn (NM_001195573.1, NM_001271282.3, NM_001291628.2 and 1 more transcripts); short protein forms S1239N.
Identifiers: ClinVar variation 824115 (VCV000824115.11), dbSNP rs1595365211, ClinGen allele CA390874263.